The following is an entry in ClinVar:

ClinVar aggregate classification (germline): Likely benign. Review status: criteria provided, multiple submitters, no conflicts (2 of 4 stars). 3 submissions from 3 submitters: Likely benign (2). 1 of the submissions does not count toward it. Last evaluated 2025-10-02.

Conditions:
ADCY5-related disorder. Also called: ADCY5-related condition.

Allele frequency attached by ClinVar (database versions not stated): gnomAD 0.00002 and 0.00003; gnomAD exomes 0.00003 and 0.00006; ExAC 0.00005; TOPMed 0.00005.
gnomAD v4.1: 48 of 1,599,540 alleles (0.003%); highest among the groups gnomAD compares: Non-Finnish European, 0.0033%; no homozygotes.

Submissions (3):

Labcorp Genetics (formerly Invitae), Labcorp
Classification: Likely benign. Last evaluated: 2025-10-02. Review status: criteria provided, single submitter. Criteria: Invitae Variant Classification Sherloc (09022015). Collection method: clinical testing. Allele origin: germline.

CeGaT Center for Human Genetics Tuebingen
Classification: Likely benign. Last evaluated: 2022-06-01. Review status: criteria provided, single submitter. Criteria: CeGaT Center For Human Genetics Tuebingen Variant Classification Criteria Version 2. Collection method: clinical testing. Allele origin: germline. Affected: yes. Observed: 1 variant allele.
Comment: ADCY5: BP4, BP7

PreventionGenetics, part of Exact Sciences
Classification: Likely benign for ADCY5-related condition. Last evaluated: 2021-09-14. Review status: no assertion criteria provided. Collection method: clinical testing. Allele origin: germline. Not counted in ClinVar's aggregate classification.
Comment: This variant is classified as likely benign based on ACMG/AMP sequence variant interpretation guidelines (Richards et al. 2015 PMID: 25741868, with internal and published modifications).

NM_183357.3(ADCY5):c.825G>A (p.Ala275=)

Gene: ADCY5 (adenylate cyclase 5; minus strand). Cytogenetic location: 3q21.1.
Variant type: single nucleotide variant.
Coding change: c.825G>A on transcript NM_183357.3 (MANE Select); coding-DNA position 825, G replaced by A.
Protein change: p.Ala275=; no amino-acid change (alanine 275 retained).
Molecular consequence: synonymous variant.
Genome position (GRCh38, 1-based): chr3:123,447,721, C>T on the plus strand (G>A on the coding strand, the complement: ADCY5 is on the minus strand). VCF-style: chr3-123447721-C-T. GRCh37 (hg19) VCF-style: chr3-123166568-C-T.
Other names: c.825G>A (NM_183357.2); c.825G>A, p.Ala275= (NM_001378259.1).
Identifiers: ClinVar variation 1476870 (VCV001476870.31), dbSNP rs766485152, ClinGen allele CA2577629.
Genomic context (GRCh38, chr3:123,447,721, plus strand): 5'-CTGGTGGAAGGCGGCGCGGTTGCAAAGCACAGCCATGATGAGGATCACGCCGACGGCGGC[C>T]GCCAGCACGGCCAGGTAGGGCAGCTGGAGCGGGGGCCGCGCCGCGTGGAAGGCCAACATG-3'
Protein context (NP_899200.1, residues 265-285): PLQLPYLAVL[Ala275=]AAVGVILIMA